The following is an entry in ClinVar:

NM_080425.4(GNAS):c.207A>G (p.Gly69=)

Gene: GNAS (GNAS complex locus; plus strand). Cytogenetic location: 20q13.32.
Variant type: single nucleotide variant.
Coding change: c.207A>G on transcript NM_080425.4 (MANE Plus Clinical); coding-DNA position 207, A replaced by G.
Protein change: p.Gly69=; no amino-acid change (glycine 69 retained).
Molecular consequence: synonymous variant. On other transcripts: missense variant (2), intron variant (3).
Genome position (GRCh38, 1-based): chr20:58,853,472, A>G. VCF-style: chr20-58853472-A-G. GRCh37 (hg19) VCF-style: chr20-57428527-A-G.
Other names: c.20A>G, p.Asp7Gly (NM_001077490.3, NM_001309883.1); c.207A>G, p.Gly69= (NM_001410913.1); c.*42+12586A>G (NM_016592.5); c.43+12586A>G (NM_001410912.1); c.-39+11597A>G (NM_001309861.2); short protein forms D7G.
Identifiers: ClinVar variation 1318805 (VCV001318805.4), dbSNP rs1281541744, ClinGen allele CA409454717.

ClinVar aggregate classification (germline): Uncertain significance (1 of 4 stars; one submission).

Submission:

GeneDx
Classification: Uncertain significance. Last evaluated: 2021-02-12. Review status: criteria provided, single submitter. Criteria: GeneDx Variant Classification Process June 2021. Collection method: clinical testing. Allele origin: germline. Affected: yes.
Comment: Not observed in large population cohorts (Lek et al., 2016); In silico analysis supports that this missense variant does not alter protein structure/function; Has not been previously published as pathogenic or benign to our knowledge